The following is an entry in ClinVar:

NM_005963.4(MYH1):c.1582G>A (p.Glu528Lys)

Genes: MYH1 (myosin heavy chain 1; minus strand), MYHAS (myosin heavy chain gene cluster antisense RNA; plus strand). Cytogenetic location: 17p13.1.
Variant type: single nucleotide variant.
Coding change: c.1582G>A on transcript NM_005963.4 (MANE Select); coding-DNA position 1582, G replaced by A.
Protein change: p.Glu528Lys; replaces glutamic acid 528 with lysine.
Molecular consequence: missense variant.
Genome position (GRCh38, 1-based): chr17:10,509,490, C>T on the plus strand (G>A on the coding strand, the complement: MYH1 is on the minus strand). VCF-style: chr17-10509490-C-T. GRCh37 (hg19) VCF-style: chr17-10412807-C-T.
Other names: short protein forms E528K.
Identifiers: ClinVar variation 5000825 (VCV005000825.1).

ClinVar aggregate classification (germline): Uncertain significance (1 of 4 stars; one submission).

Conditions:
MYH1-related disorder. Also called: MYH1-related condition.

gnomAD v4.1: 651 of 1,614,106 alleles (0.04%); highest among the groups gnomAD compares: Non-Finnish European, 0.052%; no homozygotes.

Submission:

PreventionGenetics, part of Exact Sciences
Classification: Uncertain significance for MYH1-related condition. Last evaluated: 2026-07-26. Review status: criteria provided, single submitter. Criteria: ACMG Guidelines, 2015. Collection method: clinical testing. Allele origin: germline.
Comment: The MYH1 c.1582G>A variant is predicted to result in the amino acid substitution p.Glu528Lys. To our knowledge, this variant has not been reported in the literature. This variant is reported in 0.039% of alleles in individuals of European (Non-Finnish) descent in gnomAD. At this time, the clinical significance of this variant is uncertain due to the absence of conclusive functional and genetic evidence.